The following is an entry in ClinVar:

ClinVar aggregate classification (germline): Conflicting classifications of pathogenicity. Review status: criteria provided, conflicting classifications (1 of 4 stars). 4 submissions from 4 submitters: Uncertain significance (2); Likely benign (2). Last evaluated 2025-12-16.

Conditions:
Desbuquois dysplasia 1 (DBQD1). Also called: DESBUQUOIS DYSPLASIA 1, KIM VARIANT; MICROMELIC DWARFISM WITH VERTEBRAL AND METAPHYSEAL ABNORMALITIES AND ADVANCED CARPOTARSAL OSSIFICATION. Identifiers: Orphanet 1425, MedGen C4012146, MONDO:0009629, OMIM 251450.
XYLT1-related disorder. Also called: XYLT1-related condition.
Desbuquois dysplasia 2 (DBQD2). Also called: Baratela-Scott syndrome. Identifiers: Orphanet 1425, MedGen C4014294, MONDO:0014343, OMIM 615777.
Inborn genetic diseases. Identifiers: MedGen C0950123, MeSH D030342.

Allele frequency attached by ClinVar (database versions not stated): gnomAD exomes 0.00004; ExAC 0.00020; gnomAD 0.00048; TOPMed 0.00053; 1000 Genomes Project 0.00080; ESP Exome Variant Server 0.00085; 1000 Genomes Project 30x 0.00094.
gnomAD v4.1: 133 of 1,612,074 alleles (0.0083%); highest among the groups gnomAD compares: African/African-American, 0.16%; no homozygotes.

Submissions (4):

PreventionGenetics, part of Exact Sciences
Classification: Likely benign for XYLT1-related condition. Last evaluated: 2025-12-16. Review status: criteria provided, single submitter. Criteria: ACMG Guidelines, 2015. Collection method: clinical testing. Allele origin: germline.
Comment: This variant is classified as likely benign based on ACMG/AMP sequence variant interpretation guidelines (Richards et al. 2015 PMID: 25741868, with internal and published modifications).

Ambry Genetics
Classification: Likely benign for Inborn genetic diseases. Last evaluated: 2023-10-20. Review status: criteria provided, single submitter. Criteria: Ambry Variant Classification Scheme 2023. Collection method: clinical testing. Allele origin: germline.

Labcorp Genetics (formerly Invitae), Labcorp
Classification: Uncertain significance for Desbuquois dysplasia 1. Last evaluated: 2022-08-05. Review status: criteria provided, single submitter. Criteria: Invitae Variant Classification Sherloc (09022015). Collection method: clinical testing. Allele origin: germline.
Comment: This sequence change replaces glycine, which is neutral and non-polar, with aspartic acid, which is acidic and polar, at codon 923 of the XYLT1 protein (p.Gly923Asp). This variant is present in population databases (rs137935194, gnomAD 0.2%). This variant has not been reported in the literature in individuals affected with XYLT1-related conditions. Algorithms developed to predict the effect of missense changes on protein structure and function are either unavailable or do not agree on the potential impact of this missense change (SIFT: "Tolerated"; PolyPhen-2: "Probably Damaging"; Align-GVGD: "Class C0"). In summary, the available evidence is currently insufficient to determine the role of this variant in disease. Therefore, it has been classified as a Variant of Uncertain Significance.

Revvity Omics, Revvity
Classification: Uncertain significance for Desbuquois dysplasia 2. Last evaluated: 2020-05-24. Review status: criteria provided, single submitter. Criteria: ACMG Guidelines, 2015. Collection method: clinical testing. Allele origin: germline.

NM_022166.4(XYLT1):c.2768G>A (p.Gly923Asp)

Gene: XYLT1 (xylosyltransferase 1; minus strand). Cytogenetic location: 16p12.3.
Variant type: single nucleotide variant.
Coding change: c.2768G>A on transcript NM_022166.4 (MANE Select); coding-DNA position 2768, G replaced by A.
Protein change: p.Gly923Asp; replaces glycine 923 with aspartic acid.
Molecular consequence: missense variant.
Genome position (GRCh38, 1-based): chr16:17,108,807, C>T on the plus strand (G>A on the coding strand, the complement: XYLT1 is on the minus strand). VCF-style: chr16-17108807-C-T. GRCh37 (hg19) VCF-style: chr16-17202664-C-T.
Other names: c.2768G>A (NM_022166.3); short protein forms G923D.
Identifiers: ClinVar variation 2053799 (VCV002053799.6), dbSNP rs137935194, ClinGen allele CA7927482.